The following is an entry in ClinVar:

ClinVar aggregate classification (germline): Uncertain significance (1 of 4 stars; one submission).

Allele frequency attached by ClinVar (database versions not stated): ExAC 0.00004.
gnomAD v4.1: 19 of 1,612,010 alleles (0.0012%); highest among the groups gnomAD compares: Middle Eastern, 0.033%; no homozygotes.

Submission:

Labcorp Genetics (formerly Invitae), Labcorp
Classification: Uncertain significance. Last evaluated: 2022-07-18. Review status: criteria provided, single submitter. Criteria: Invitae Variant Classification Sherloc (09022015). Collection method: clinical testing. Allele origin: germline.
Comment: This sequence change replaces arginine, which is basic and polar, with cysteine, which is neutral and slightly polar, at codon 1379 of the CDH23 protein (p.Arg1379Cys). This variant is present in population databases (rs763502163, gnomAD 0.02%). This variant has not been reported in the literature in individuals affected with CDH23-related conditions. Algorithms developed to predict the effect of missense changes on protein structure and function are either unavailable or do not agree on the potential impact of this missense change (SIFT: "Deleterious"; PolyPhen-2: "Not Available"; Align-GVGD: "Class C65"). In summary, the available evidence is currently insufficient to determine the role of this variant in disease. Therefore, it has been classified as a Variant of Uncertain Significance.

NM_022124.6(CDH23):c.4135C>T (p.Arg1379Cys)

Genes: C10orf105 (chromosome 10 open reading frame 105; minus strand), CDH23 (cadherin related 23; plus strand). Cytogenetic location: 10q22.1.
Variant type: single nucleotide variant.
Coding change: c.4135C>T on transcript NM_022124.6 (MANE Select); coding-DNA position 4135, C replaced by T.
Protein change: p.Arg1379Cys; replaces arginine 1379 with cysteine.
Molecular consequence: missense variant. On other transcripts: intron variant (1).
Genome position (GRCh38, 1-based): chr10:71,734,270, C>T. VCF-style: chr10-71734270-C-T. GRCh37 (hg19) VCF-style: chr10-73494027-C-T.
Other names: c.-6+3458G>A (NM_001168390.2); short protein forms R1379C.
Identifiers: ClinVar variation 2177910 (VCV002177910.1), dbSNP rs763502163, ClinGen allele CA5544925.
Genomic context (GRCh38, chr10:71,734,270, plus strand): 5'-TCACTCACCCATCTGGCCCCTTCCCTGCAGGGTGTGATCACAGTCCAGGGCCTGGTGGAC[C>T]GTGAGAAGGGCGACTTCTATACCTTGACAGTGGTGGCAGATGACGGCGGCCCCAAGGTGG-3'
Protein context (NP_071407.4, residues 1369-1389): GVITVQGLVD[Arg1379Cys]EKGDFYTLTV